The following is an entry in ClinVar:

ClinVar aggregate classification (germline): Likely benign. Review status: criteria provided, single submitter (1 of 4 stars). 2 submissions from 2 submitters: Likely benign (1). 1 of the submissions does not count toward it. Last evaluated 2025-12-15.

Conditions:
CSF3R-related disorder. Also called: CSF3R-related condition.
Autosomal recessive severe congenital neutropenia due to CSF3R deficiency. Also called: Neutropenia, severe congenital, 7, autosomal recessive. Identifiers: Orphanet 420702, MedGen C4310764, MONDO:0014865, OMIM 617014.

Allele frequency attached by ClinVar (database versions not stated): gnomAD exomes 0.00002; ExAC 0.00005; 1000 Genomes Project 30x 0.00016; 1000 Genomes Project 0.00020; TOPMed 0.00020; gnomAD 0.00022.
gnomAD v4.1: 59 of 1,614,126 alleles (0.0037%); highest among the groups gnomAD compares: African/African-American, 0.075%; no homozygotes.

Submissions (2):

Labcorp Genetics (formerly Invitae), Labcorp
Classification: Likely benign for Autosomal recessive severe congenital neutropenia due to CSF3R deficiency. Last evaluated: 2025-12-15. Review status: criteria provided, single submitter. Criteria: Invitae Variant Classification Sherloc (09022015). Collection method: clinical testing. Allele origin: germline.

PreventionGenetics, part of Exact Sciences
Classification: Likely benign for CSF3R-related condition. Last evaluated: 2023-07-11. Review status: no assertion criteria provided. Collection method: clinical testing. Allele origin: germline. Not counted in ClinVar's aggregate classification.
Comment: This variant is classified as likely benign based on ACMG/AMP sequence variant interpretation guidelines (Richards et al. 2015 PMID: 25741868, with internal and published modifications).

NM_000760.4(CSF3R):c.1518C>T (p.Pro506=)

Gene: CSF3R (colony stimulating factor 3 receptor; minus strand). Cytogenetic location: 1p34.3.
Variant type: single nucleotide variant.
Coding change: c.1518C>T on transcript NM_000760.4 (MANE Select); coding-DNA position 1518, C replaced by T.
Protein change: p.Pro506=; no amino-acid change (proline 506 retained).
Molecular consequence: synonymous variant.
Genome position (GRCh38, 1-based): chr1:36,469,214, G>A on the plus strand (C>T on the coding strand, the complement: CSF3R is on the minus strand). VCF-style: chr1-36469214-G-A. GRCh37 (hg19) VCF-style: chr1-36934815-G-A.
Other names: c.1518C>T, p.Pro506= (NM_156039.3, NM_172313.3); c.1518C>T (NM_000760.3).
Identifiers: ClinVar variation 2173385 (VCV002173385.6), dbSNP rs34574943, ClinGen allele CA769158.
Genomic context (GRCh38, chr1:36,469,214, plus strand): 5'-ACCCATTTCTTGAGAGTAGGCATAGACATGCTGGGAGGGTCCCATGGTGTCCTGGTACAA[G>A]GGAGTCACGATGATCTCATAGAGCTGAAAGGGCCTGATGTTCTCTGTAGAGAGAAAATGG-3'
Protein context (NP_000751.1, residues 496-516): PFQLYEIIVT[Pro506=]LYQDTMGPSQ